The following is an entry in ClinVar:

NM_001171.6(ABCC6):c.4403+9C>T

Genes: ABCC6 (ATP binding cassette subfamily C member 6; minus strand), LOC125146421 (Sharpr-MPRA regulatory region 15590; plus strand). Cytogenetic location: 16p13.11.
Variant type: single nucleotide variant.
Coding change: c.4403+9C>T on transcript NM_001171.6 (MANE Select); 9 bases into the intron after coding-DNA position 4403, C replaced by T.
Molecular consequence: intron variant.
Genome position (GRCh38, 1-based): chr16:16,150,569, G>A on the plus strand (C>T on the coding strand, the complement: ABCC6 is on the minus strand). VCF-style: chr16-16150569-G-A. GRCh37 (hg19) VCF-style: chr16-16244426-G-A.
Other names: c.4061+9C>T (NM_001351800.1); c.4403+9C>T (NM_001171.5).
Identifiers: ClinVar variation 1659863 (VCV001659863.10), dbSNP rs772585772, ClinGen allele CA7925203.
Genomic context (GRCh38, chr16:16,150,569, plus strand): 5'-GACTGCCTCCGCCTCCTTCCCCCACCACTGCAGGGCTGCTGTGAGGTCAGGCCGGGGCGG[G>A]AGCCTTACCGGGCACAGTCCATCACGGAGCGCAGGCGGTGGGCAATGAGCAGCACAGTGC-3'

ClinVar aggregate classification (germline): Likely benign. Review status: criteria provided, multiple submitters, no conflicts (2 of 4 stars). 3 submissions from 3 submitters: Likely benign (3). Last evaluated 2025-08-05.

Conditions:
ABCC6-related disorder. Also called: ABCC6-related condition.

Allele frequency attached by ClinVar (database versions not stated): TOPMed below 0.00001; gnomAD exomes 0.00001 and 0.00004; ExAC 0.00004.
gnomAD v4.1: 11 of 1,605,638 alleles (0.00069%); highest among the groups gnomAD compares: Admixed American, 0.012%; no homozygotes.

Submissions (3):

PreventionGenetics, part of Exact Sciences
Classification: Likely benign for ABCC6-related condition. Last evaluated: 2025-08-05. Review status: criteria provided, single submitter. Criteria: ACMG Guidelines, 2015. Collection method: clinical testing. Allele origin: germline.
Comment: This variant is classified as likely benign based on ACMG/AMP sequence variant interpretation guidelines (Richards et al. 2015 PMID: 25741868, with internal and published modifications).

Labcorp Genetics (formerly Invitae), Labcorp
Classification: Likely benign. Last evaluated: 2025-01-27. Review status: criteria provided, single submitter. Criteria: Invitae Variant Classification Sherloc (09022015). Collection method: clinical testing. Allele origin: germline.

Blueprint Genetics
Classification: Likely benign. Last evaluated: 2020-01-13. Review status: criteria provided, single submitter. Criteria: ACMG Guidelines, 2015. Collection method: clinical testing. Allele origin: germline.